The following is an entry in ClinVar:

NM_020163.3(SEMA3G):c.749C>T (p.Thr250Met)

Gene: SEMA3G (semaphorin 3G; minus strand). Cytogenetic location: 3p21.1.
Variant type: single nucleotide variant.
Coding change: c.749C>T on transcript NM_020163.3 (MANE Select); coding-DNA position 749, C replaced by T.
Protein change: p.Thr250Met; replaces threonine 250 with methionine.
Molecular consequence: missense variant.
Genome position (GRCh38, 1-based): chr3:52,441,328, G>A on the plus strand (C>T on the coding strand, the complement: SEMA3G is on the minus strand). VCF-style: chr3-52441328-G-A. GRCh37 (hg19) VCF-style: chr3-52475344-G-A.
Other names: short protein forms T250M.
Identifiers: ClinVar variation 4986116 (VCV004986116.1).

ClinVar aggregate classification (germline): Uncertain significance (1 of 4 stars; one submission).

Conditions:
SEMA3G-related disorder. Also called: SEMA3G-related condition.

Submission:

PreventionGenetics, part of Exact Sciences
Classification: Uncertain significance for SEMA3G-related condition. Last evaluated: 2026-06-15. Review status: criteria provided, single submitter. Criteria: ACMG Guidelines, 2015. Collection method: clinical testing. Allele origin: germline.
Comment: The SEMA3G c.749C>T variant is predicted to result in the amino acid substitution p.Thr250Met. To our knowledge, this variant has not been reported in the literature. This variant is reported in 0.0040% of alleles in individuals of African descent in gnomAD. At this time, the clinical significance of this variant is uncertain due to the absence of conclusive functional and genetic evidence.